The following is an entry in ClinVar:

NM_000702.4(ATP1A2):c.1554C>G (p.Ile518Met)

Gene: ATP1A2 (ATPase Na+/K+ transporting subunit alpha 2; plus strand). Cytogenetic location: 1q23.2.
Variant type: single nucleotide variant.
Coding change: c.1554C>G on transcript NM_000702.4 (MANE Select); coding-DNA position 1554, C replaced by G.
Protein change: p.Ile518Met; replaces isoleucine 518 with methionine.
Molecular consequence: missense variant.
Genome position (GRCh38, 1-based): chr1:160,130,194, C>G. VCF-style: chr1-160130194-C-G. GRCh37 (hg19) VCF-style: chr1-160099984-C-G.
Other names: short protein forms I518M.
Identifiers: ClinVar variation 1353992 (VCV001353992.8), dbSNP rs771003528, ClinGen allele CA343243250.

ClinVar aggregate classification (germline): Uncertain significance (1 of 4 stars; one submission).

Conditions:
Familial hemiplegic migraine. Identifiers: MedGen C0338484, MONDO:0000700.

Allele frequency attached by ClinVar (database versions not stated): TOPMed 0.00001.
gnomAD v4.1: 1 of 1,614,200 alleles (0.000062%); no homozygotes.

Submission:

Labcorp Genetics (formerly Invitae), Labcorp
Classification: Uncertain significance for Familial hemiplegic migraine. Last evaluated: 2024-12-16. Review status: criteria provided, single submitter. Criteria: Invitae Variant Classification Sherloc (09022015). Collection method: clinical testing. Allele origin: germline.
Comment: This sequence change replaces isoleucine, which is neutral and non-polar, with methionine, which is neutral and non-polar, at codon 518 of the ATP1A2 protein (p.Ile518Met). This variant is not present in population databases (gnomAD no frequency). This variant has not been reported in the literature in individuals affected with ATP1A2-related conditions. ClinVar contains an entry for this variant (Variation ID: 1353992). Invitae Evidence Modeling of protein sequence and biophysical properties (such as structural, functional, and spatial information, amino acid conservation, physicochemical variation, residue mobility, and thermodynamic stability) indicates that this missense variant is not expected to disrupt ATP1A2 protein function with a negative predictive value of 80%. In summary, the available evidence is currently insufficient to determine the role of this variant in disease. Therefore, it has been classified as a Variant of Uncertain Significance.